The following is an entry in ClinVar:

ClinVar aggregate classification (germline): Uncertain significance (1 of 4 stars; one submission).

Conditions:
Charcot-Marie-Tooth disease recessive intermediate C. Also called: CHARCOT-MARIE-TOOTH NEUROPATHY, RECESSIVE INTERMEDIATE C. Identifiers: Orphanet 369867, MedGen C3809309, MONDO:0014154, OMIM 615376.
Neuronopathy, distal hereditary motor, autosomal recessive 4. Also called: Autosomal recessive lower motor neuron disease with childhood onset; NEUROPATHY, DISTAL HEREDITARY MOTOR, AUTOSOMAL RECESSIVE 4. Identifiers: Orphanet 206580, MedGen C1970211, MONDO:0012608, OMIM 611067.

gnomAD v4.1: 8 of 1,613,400 alleles (0.0005%); highest among the groups gnomAD compares: Non-Finnish European, 0.00059%; no homozygotes.

Submission:

Labcorp Genetics (formerly Invitae), Labcorp
Classification: Uncertain significance for Neuronopathy, distal hereditary motor, autosomal recessive 4; Charcot-Marie-Tooth disease recessive intermediate C. Last evaluated: 2025-08-03. Review status: criteria provided, single submitter. Criteria: Invitae Variant Classification Sherloc (09022015). Collection method: clinical testing. Allele origin: germline.
Comment: This sequence change replaces lysine, which is basic and polar, with asparagine, which is neutral and polar, at codon 165 of the PLEKHG5 protein (p.Lys165Asn). The frequency data for this variant in the population databases is considered unreliable, as metrics indicate poor data quality at this position in the gnomAD database. This variant has not been reported in the literature in individuals affected with PLEKHG5-related conditions. ClinVar contains an entry for this variant (Variation ID: 572112). An algorithm developed to predict the effect of missense changes on protein structure and function (PolyPhen-2) suggests that this variant is likely to be disruptive. In summary, the available evidence is currently insufficient to determine the role of this variant in disease. Therefore, it has been classified as a Variant of Uncertain Significance.

NM_020631.6(PLEKHG5):c.495G>C (p.Lys165Asn)

Gene: PLEKHG5 (pleckstrin homology and RhoGEF domain containing G5; minus strand). Cytogenetic location: 1p36.31.
Variant type: single nucleotide variant.
Coding change: c.495G>C on transcript NM_020631.6 (MANE Select); coding-DNA position 495, G replaced by C.
Protein change: p.Lys165Asn; replaces lysine 165 with asparagine.
Molecular consequence: missense variant.
Genome position (GRCh38, 1-based): chr1:6,474,109, C>G on the plus strand (G>C on the coding strand, the complement: PLEKHG5 is on the minus strand). VCF-style: chr1-6474109-C-G. GRCh37 (hg19) VCF-style: chr1-6534169-C-G.
Other names: c.606G>C, p.Lys202Asn (NM_001042663.3, NM_001265592.2); c.495G>C, p.Lys165Asn (NM_001042664.2, NM_001042665.2, NM_001265594.3 and 1 more transcripts); c.702G>C, p.Lys234Asn (NM_001265593.2); short protein forms K165N, K234N, K202N.
Identifiers: ClinVar variation 572112 (VCV000572112.9), dbSNP rs150772386, ClinGen allele CA561832.